The following is an entry in ClinVar:

ClinVar aggregate classification (germline): Benign (1 of 4 stars; one submission).

Conditions:
Stargardt disease 3. Also called: MACULAR DYSTROPHY WITH FLECKS, TYPE 3; STARGARDT-LIKE MACULAR DYSTROPHY, AUTOSOMAL DOMINANT. Identifiers: Orphanet 827, MedGen C1838644, MONDO:0010819, OMIM 600110.

Allele frequency attached by ClinVar (database versions not stated): gnomAD 0.00146 and 0.00158; TOPMed 0.00164; 1000 Genomes Project 0.00200; 1000 Genomes Project 30x 0.00219.
gnomAD v4.1: 220 of 152,600 alleles (0.14%); highest among the groups gnomAD compares: African/African-American, 0.51%; 1 homozygote.

Submission:

Illumina Laboratory Services, Illumina
Classification: Benign for Stargardt disease 3. Last evaluated: 2018-01-13. Review status: criteria provided, single submitter. Criteria: ICSL Variant Classification Criteria 13 December 2019. Collection method: clinical testing. Allele origin: germline.
Comment: This variant was observed in the ICSL laboratory as part of a predisposition screen in an ostensibly healthy population. It had not been previously curated by ICSL or reported in the Human Gene Mutation Database (HGMD: prior to June 1st, 2018), and was therefore a candidate for classification through an automated scoring system. Utilizing variant allele frequency, disease prevalence and penetrance estimates, and inheritance mode, an automated score was calculated to assess if this variant is too frequent to cause the disease. Based on the score and internal cut-off values, a variant classified as benign is not then subjected to further curation. The score for this variant resulted in a classification of benign for this disease.

NM_022726.4(ELOVL4):c.*1050A>G

Gene: ELOVL4 (ELOVL fatty acid elongase 4; minus strand). Cytogenetic location: 6q14.1.
Variant type: single nucleotide variant.
Coding change: c.*1050A>G on transcript NM_022726.4 (MANE Select); 1050 bases downstream of the stop codon, A replaced by G.
Molecular consequence: 3 prime UTR variant.
Genome position (GRCh38, 1-based): chr6:79,915,558, T>C on the plus strand (A>G on the coding strand, the complement: ELOVL4 is on the minus strand). VCF-style: chr6-79915558-T-C. GRCh37 (hg19) VCF-style: chr6-80625275-T-C.
Identifiers: ClinVar variation 911494 (VCV000911494.4), dbSNP rs114429396, ClinGen allele CA142270553.